The following is an entry in ClinVar:

NM_033026.6(PCLO):c.256G>C (p.Glu86Gln)

Gene: PCLO (piccolo presynaptic cytomatrix protein; minus strand). Cytogenetic location: 7q21.11.
Variant type: single nucleotide variant.
Coding change: c.256G>C on transcript NM_033026.6 (MANE Select); coding-DNA position 256, G replaced by C.
Protein change: p.Glu86Gln; replaces glutamic acid 86 with glutamine.
Molecular consequence: missense variant.
Genome position (GRCh38, 1-based): chr7:83,156,385, C>G on the plus strand (G>C on the coding strand, the complement: PCLO is on the minus strand). VCF-style: chr7-83156385-C-G. GRCh37 (hg19) VCF-style: chr7-82785701-C-G.
Other names: c.256G>C, p.Glu86Gln (NM_014510.3); short protein forms E86Q.
Identifiers: ClinVar variation 1448054 (VCV001448054.8), dbSNP rs2116694522, ClinGen allele CA367921656.

ClinVar aggregate classification (germline): Uncertain significance (1 of 4 stars; one submission).

Submission:

Labcorp Genetics (formerly Invitae), Labcorp
Classification: Uncertain significance. Last evaluated: 2021-04-11. Review status: criteria provided, single submitter. Criteria: Invitae Variant Classification Sherloc (09022015). Collection method: clinical testing. Allele origin: germline.
Comment: In summary, the available evidence is currently insufficient to determine the role of this variant in disease. Therefore, it has been classified as a Variant of Uncertain Significance. Algorithms developed to predict the effect of missense changes on protein structure and function are either unavailable or do not agree on the potential impact of this missense change (SIFT: "Deleterious"; PolyPhen-2: "Not Available"; Align-GVGD: "Class C0"). This variant has not been reported in the literature in individuals with PCLO-related conditions. This variant is not present in population databases (ExAC no frequency). This sequence change replaces glutamic acid with glutamine at codon 86 of the PCLO protein (p.Glu86Gln). The glutamic acid residue is weakly conserved and there is a small physicochemical difference between glutamic acid and glutamine.